The following is an entry in ClinVar:

NM_001378615.1(CC2D2A):c.4437+6A>C

Genes: CC2D2A (coiled-coil and C2 domain containing 2A; plus strand), FBXL5 (F-box and leucine rich repeat protein 5; minus strand). Cytogenetic location: 4p15.32.
Variant type: single nucleotide variant.
Coding change: c.4437+6A>C on transcript NM_001378615.1 (MANE Select); 6 bases into the intron after coding-DNA position 4437, A replaced by C.
Molecular consequence: intron variant.
Genome position (GRCh38, 1-based): chr4:15,596,213, A>C. VCF-style: chr4-15596213-A-C. GRCh37 (hg19) VCF-style: chr4-15597836-A-C.
Other names: c.4437+6A>C (NM_001080522.2); c.4290+6A>C (NM_001378617.1).
Identifiers: ClinVar variation 1949875 (VCV001949875.5), dbSNP rs2475144578, ClinGen allele CA2580070869.

ClinVar aggregate classification (germline): Uncertain significance (1 of 4 stars; one submission).

Conditions:
Joubert syndrome. Also called: Familial aplasia of the vermis; JOUBERT-BOLTSHAUSER SYNDROME. Identifiers: Orphanet 475, MedGen C5979921, MONDO:0018772.
Meckel-Gruber syndrome. Also called: Dysencephalia splachnocystica; DYSENCEPHALIA SPLANCHNOCYSTICA; GRUBER SYNDROME. Identifiers: Orphanet 564, MedGen C0265215, MONDO:0018921.

Submission:

Labcorp Genetics (formerly Invitae), Labcorp
Classification: Uncertain significance for Joubert syndrome; Meckel-Gruber syndrome. Last evaluated: 2022-08-08. Review status: criteria provided, single submitter. Criteria: Invitae Variant Classification Sherloc (09022015). Collection method: clinical testing. Allele origin: germline.
Comment: In summary, the available evidence is currently insufficient to determine the role of this variant in disease. Therefore, it has been classified as a Variant of Uncertain Significance. Variants that disrupt the consensus splice site are a relatively common cause of aberrant splicing (PMID: 17576681, 9536098). Algorithms developed to predict the effect of sequence changes on RNA splicing suggest that this variant is not likely to affect RNA splicing. This variant has not been reported in the literature in individuals affected with CC2D2A-related conditions. This variant is not present in population databases (gnomAD no frequency). This sequence change falls in intron 35 of the CC2D2A gene. It does not directly change the encoded amino acid sequence of the CC2D2A protein. It affects a nucleotide within the consensus splice site.

Literature cited by the submitters: PubMed 17576681; PubMed 9536098.